The following is an entry in ClinVar:

NM_001005242.3(PKP2):c.401A>T (p.Lys134Met)

Gene: PKP2 (plakophilin 2; minus strand). Cytogenetic location: 12p11.21.
Variant type: single nucleotide variant.
Coding change: c.401A>T on transcript NM_001005242.3 (MANE Select); coding-DNA position 401, A replaced by T.
Protein change: p.Lys134Met; replaces lysine 134 with methionine.
Molecular consequence: missense variant.
Genome position (GRCh38, 1-based): chr12:32,878,479, T>A on the plus strand (A>T on the coding strand, the complement: PKP2 is on the minus strand). VCF-style: chr12-32878479-T-A. GRCh37 (hg19) VCF-style: chr12-33031413-T-A.
Other names: c.401A>T, p.Lys134Met (NM_001407156.1, NM_001407157.1, NM_001407161.1 and 2 more transcripts); c.74A>T, p.Lys25Met (NM_001407158.1, NM_001407159.1, NM_001407160.1 and 1 more transcripts); short protein forms K134M, K25M.
Identifiers: ClinVar variation 4759056 (VCV004759056.1).
Genomic context (GRCh38, chr12:32,878,479, plus strand): 5'-CTGTCAGGAGAAATCTCCAGTCTCCTCAGAGGATGCCTCAAGGACCTTTCTTCCACGGAC[T>A]TCTGGGAGCTGTACTGTGCTGTTCCTCTTCCCCAGCGACCTTCATAAGTGGCAGTTGTGC-3'
Protein context (NP_001005242.2, residues 124-144): GRGTAQYSSQ[Lys134Met]SVEERSLRHP

ClinVar aggregate classification (germline): Uncertain significance (1 of 4 stars; one submission).

Conditions:
Cardiomyopathy (CMYO). Also called: Cardiomyopathies. Identifiers: Orphanet 167848, MedGen C0878544, MONDO:0004994, HP:0001638. Inheritance: Various modes of inheritance.

Submission:

Color Diagnostics, LLC DBA Color Health
Classification: Uncertain significance for Cardiomyopathy. Last evaluated: 2025-08-04. Review status: criteria provided, single submitter. Criteria: ACMG Guidelines, 2015. Collection method: clinical testing. Allele origin: germline.
Comment: This missense variant replaces lysine with methionine at codon 134 of the PKP2 protein. Computational prediction suggests that this variant may not impact protein structure and function. To our knowledge, functional studies have not been reported for this variant. This variant has not been reported in individuals affected with PKP2-related disorders in the literature. This variant has not been identified in the general population by the Genome Aggregation Database (gnomAD). The available evidence is insufficient to determine the role of this variant in disease conclusively. Therefore, this variant is classified as a Variant of Uncertain Significance.